The following is an entry in ClinVar:

NM_024417.5(FDXR):c.248C>T (p.Ala83Val)

Gene: FDXR (ferredoxin reductase; minus strand). Cytogenetic location: 17q25.1.
Variant type: single nucleotide variant.
Coding change: c.248C>T on transcript NM_024417.5 (MANE Select); coding-DNA position 248, C replaced by T.
Protein change: p.Ala83Val; replaces alanine 83 with valine.
Molecular consequence: missense variant. On other transcripts: non-coding transcript variant (1).
Genome position (GRCh38, 1-based): chr17:74,866,806, G>A on the plus strand (C>T on the coding strand, the complement: FDXR is on the minus strand). VCF-style: chr17-74866806-G-A. GRCh37 (hg19) VCF-style: chr17-72862928-G-A.
Other names: p.Ala83Val; c.377C>T, p.Ala126Val (NM_001258012.4); c.341C>T, p.Ala114Val (NM_001258013.4); c.248C>T, p.Ala83Val (NM_001258014.4, NM_004110.6); c.251C>T, p.Ala84Val (NM_001258015.3); c.92C>T, p.Ala31Val (NM_001258016.3); short protein forms A114V, A126V, A31V, A83V, A84V.
Identifiers: ClinVar variation 985142 (VCV000985142.41), dbSNP rs756882582, ClinGen allele CA8753292.

ClinVar aggregate classification (germline): Conflicting classifications of pathogenicity. Review status: criteria provided, conflicting classifications (1 of 4 stars). 4 submissions from 4 submitters: Likely pathogenic (2); Uncertain significance (2). Last evaluated 2026-01-03.

Conditions:
Inborn genetic diseases. Identifiers: MedGen C0950123, MeSH D030342.
Auditory neuropathy-optic atrophy syndrome. Also called: AUDITORY NEUROPATHY AND OPTIC ATROPHY; MULTIPLE MITOCHONDRIAL DYSFUNCTIONS SYNDROME 9A. Identifiers: Orphanet 542585, MedGen C4521678, MONDO:0060582, OMIM 617717.

Allele frequency attached by ClinVar (database versions not stated): gnomAD 0.00001 and 0.00003; gnomAD exomes 0.00001; TOPMed 0.00002.
gnomAD v4.1: 15 of 1,614,008 alleles (0.00093%); highest among the groups gnomAD compares: East Asian, 0.011%; no homozygotes.

Submissions (4):

Department of Molecular Genetics, Istishari Arab Hospital
Classification: Likely pathogenic for Auditory neuropathy-optic atrophy syndrome. Last evaluated: 2026-01-03. Review status: criteria provided, single submitter. Criteria: ACMG Guidelines, 2015. Collection method: clinical testing. Allele origin: germline. Inheritance: Autosomal recessive inheritance. Affected: yes.
Comment: The FDXR variant c.248C>T, p.Ala83Val creates an amino acid change from Ala to Val at position 83. This variant is observed with very low frequency (<0.001) in the gnomAD v4.1.0 dataset. It is classified as likely pathogenic according to the recommendations of ACMG/AMP/ClinGen SVI guidelines.

GeneDx
Classification: Likely pathogenic. Last evaluated: 2024-09-26. Review status: criteria provided, single submitter. Criteria: GeneDx Variant Classification Process June 2021. Collection method: clinical testing. Allele origin: germline. Affected: yes.
Comment: Reported as a single heterozygous variant in a patient with syelid apraxia, global developmental delay, and truncal ataxia (PMID: 38178268); Not observed at significant frequency in large population cohorts (gnomAD); In silico analysis supports that this missense variant has a deleterious effect on protein structure/function; This variant is associated with the following publications: (PMID: 38178268)

CeGaT Center for Human Genetics Tuebingen
Classification: Uncertain significance. Last evaluated: 2021-06-01. Review status: criteria provided, single submitter. Criteria: CeGaT Center For Human Genetics Tuebingen Variant Classification Criteria Version 2. Collection method: clinical testing. Allele origin: germline. Affected: yes. Observed: 1 variant allele.

Ambry Genetics
Classification: Uncertain significance for Inborn genetic diseases. Last evaluated: 2018-08-15. Review status: criteria provided, single submitter. Criteria: Ambry exome assertion method (8-5-2015). Collection method: clinical testing. Allele origin: germline. Affected: yes. Observed: 1 variant allele.